The following is an entry in ClinVar:

NM_014244.5(ADAMTS2):c.1A>G (p.Met1Val)

Gene: ADAMTS2 (ADAM metallopeptidase with thrombospondin type 1 motif 2; minus strand). Cytogenetic location: 5q35.3.
Variant type: single nucleotide variant.
Coding change: c.1A>G on transcript NM_014244.5 (MANE Select); coding-DNA position 1, A replaced by G.
Protein change: p.Met1Val; changes the start codon (methionine 1).
Molecular consequence: missense variant, initiator codon variant.
Genome position (GRCh38, 1-based): chr5:179,345,328, T>C on the plus strand (A>G on the coding strand, the complement: ADAMTS2 is on the minus strand). VCF-style: chr5-179345328-T-C. GRCh37 (hg19) VCF-style: chr5-178772329-T-C.
Other names: c.1A>G, p.Met1Val (NM_021599.4); short protein forms M1V.
Identifiers: ClinVar variation 4066646 (VCV004066646.2).
Genomic context (GRCh38, chr5:179,345,328, plus strand): 5'-GCAGCAGCAGCAGCAGCGCGGGGCAGAGCAGGCGGCGAGCGGCTCCCGCCGGCGGATCCA[T>C]GGCAGCCGGACTGCAGCCGGGGCCCCGCACTCGCAGCCGGCGCGAAAGTTCCCCGCGAGC-3'
Protein context (NP_055059.2, residues 1-11): [Met1Val]DPPAGAARRL

ClinVar aggregate classification (germline): Likely pathogenic (1 of 4 stars; one submission).

Conditions:
Ehlers-Danlos syndrome, dermatosparaxis type. Also called: EDS VIIC; Dermatosparaxis; Ehlers-Danlos syndrome, type VII, autosomal recessive. Identifiers: Orphanet 1901, MedGen C2700425, MONDO:0009161, OMIM 225410.

Submission:

Natera, Inc.
Classification: Likely pathogenic for Ehlers-Danlos syndrome type VIIC. Last evaluated: 2025-05-26. Review status: criteria provided, single submitter. Criteria: Natera Variant Classification Schema (03/2026). Collection method: clinical testing. Allele origin: germline.
Comment: The c.1A>G variant in ADAMTS2 is predicted to result in start loss due to disruption of the initiator methionine. This variant is expected to result in nonsense mediated decay, truncation, or a dysfunctional protein product. This variant is rare in the general population with a frequency below the threshold expected for the associated phenotype(s). Given the available evidence, this variant is classified as Likely Pathogenic.